The following is an entry in ClinVar:

ClinVar aggregate classification (germline): Uncertain significance (1 of 4 stars; one submission).

Conditions:
Loeys-Dietz syndrome 2 (LDS2). Also called: TGFBR2-Related Loeys-Dietz Syndrome; AORTIC ANEURYSM, FAMILIAL THORACIC 3; MARFAN SYNDROME, TYPE II; Marfan syndrome, type 2 (formerly); Marfan Syndrome type 2; Marfan like connective tissue disorder. Identifiers: Orphanet 284973, Orphanet 558, MedGen C2674574, MONDO:0012427, OMIM 610168.

Submission:

All of Us Research Program, National Institutes of Health
Classification: Uncertain significance for Loeys-Dietz syndrome 2. Last evaluated: 2023-10-06. Review status: criteria provided, single submitter. Criteria: ACMG Guidelines, 2015. Collection method: clinical testing. Allele origin: germline. Inheritance: Autosomal dominant inheritance. Observed: 1 variant allele, 1 heterozygote.
Comment: This missense variant replaces aspartic acid with asparagine at codon 545 of the TGFBR2 protein. Computational prediction suggests that this variant may not impact protein structure and function (internally defined REVEL score threshold <= 0.5, PMID: 27666373). To our knowledge, functional studies have not been reported for this variant. This variant has not been reported in individuals affected with TGFBR2-related disorders in the literature. This variant has not been identified in the general population by the Genome Aggregation Database (gnomAD). The available evidence is insufficient to determine the role of this variant in disease conclusively. Therefore, this variant is classified as a Variant of Uncertain Significance.

This study involves interpretation of variants in research participants for the purpose of population health screening. Participant phenotype was not available at the time of variant classification. Additional details can be found in publication PMID: 35346344, PMCID: PMC8962531

NM_003242.6(TGFBR2):c.1633G>A (p.Asp545Asn)

Gene: TGFBR2 (transforming growth factor beta receptor 2; plus strand). Cytogenetic location: 3p24.1.
Variant type: single nucleotide variant.
Coding change: c.1633G>A on transcript NM_003242.6 (MANE Select); coding-DNA position 1633, G replaced by A.
Protein change: p.Asp545Asn; replaces aspartic acid 545 with asparagine.
Molecular consequence: missense variant.
Genome position (GRCh38, 1-based): chr3:30,691,528, G>A. VCF-style: chr3-30691528-G-A. GRCh37 (hg19) VCF-style: chr3-30733020-G-A.
Other names: c.1636G>A, p.Asp546Asn (NM_001407129.1); c.1630G>A, p.Asp544Asn (NM_001407130.1); c.1528G>A, p.Asp510Asn (NM_001407132.1, NM_001407133.1, NM_001407134.1 and 2 more transcripts); c.1348G>A, p.Asp450Asn (NM_001407137.1); c.1273G>A, p.Asp425Asn (NM_001407138.1); c.763G>A, p.Asp255Asn (NM_001407139.1); c.1708G>A, p.Asp570Asn (NM_001024847.3); c.1816G>A, p.Asp606Asn (NM_001407126.1); and 2 more; short protein forms D255N, D425N, D450N, D510N, D544N, D545N, D546N, D554N.
Identifiers: ClinVar variation 3073815 (VCV003073815.1), dbSNP rs2125455565, ClinGen allele CA351809713.